The following is an entry in ClinVar:

ClinVar aggregate classification (germline): Uncertain significance (1 of 4 stars; one submission).

Conditions:
Idiopathic generalized epilepsy. Also called: EIG; Generalised epilepsy. Identifiers: MedGen C0270850, MONDO:0005579, OMIM 600669.
Hyperaldosteronism, familial, type IV (HALD4). Also called: FH IV; ALDOSTERONISM, PRIMARY, AND HYPERTENSION. Identifiers: Orphanet 642671, MedGen C4310756, MONDO:0014875, OMIM 617027.

Submission:

Labcorp Genetics (formerly Invitae), Labcorp
Classification: Uncertain significance for Idiopathic generalized epilepsy; Hyperaldosteronism, familial, type IV. Last evaluated: 2025-11-27. Review status: criteria provided, single submitter. Criteria: Invitae Variant Classification Sherloc (09022015). Collection method: clinical testing. Allele origin: germline.
Comment: This sequence change replaces serine, which is neutral and polar, with arginine, which is basic and polar, at codon 2162 of the CACNA1H protein (p.Ser2162Arg). This variant is not present in population databases (gnomAD no frequency). This variant has not been reported in the literature in individuals affected with CACNA1H-related conditions. Invitae Evidence Modeling of protein sequence and biophysical properties (such as structural, functional, and spatial information, amino acid conservation, physicochemical variation, residue mobility, and thermodynamic stability) indicates that this missense variant is not expected to disrupt CACNA1H protein function with a negative predictive value of 80%. In summary, the available evidence is currently insufficient to determine the role of this variant in disease. Therefore, it has been classified as a Variant of Uncertain Significance.

NM_021098.3(CACNA1H):c.6486C>A (p.Ser2162Arg)

Gene: CACNA1H (calcium voltage-gated channel subunit alpha1 H; plus strand). Cytogenetic location: 16p13.3.
Variant type: single nucleotide variant.
Coding change: c.6486C>A on transcript NM_021098.3 (MANE Select); coding-DNA position 6486, C replaced by A.
Protein change: p.Ser2162Arg; replaces serine 2162 with arginine.
Molecular consequence: missense variant.
Genome position (GRCh38, 1-based): chr16:1,220,418, C>A. VCF-style: chr16-1220418-C-A. GRCh37 (hg19) VCF-style: chr16-1270418-C-A.
Other names: c.6468C>A, p.Ser2156Arg (NM_001005407.2); short protein forms S2162R, S2156R.
Identifiers: ClinVar variation 4783522 (VCV004783522.1).